The following is an entry in ClinVar:

NM_024675.4(PALB2):c.2607C>T (p.Ser869=)

Gene: PALB2 (partner and localizer of BRCA2; minus strand). Cytogenetic location: 16p12.2.
Variant type: single nucleotide variant.
Coding change: c.2607C>T on transcript NM_024675.4 (MANE Select); coding-DNA position 2607, C replaced by T.
Protein change: p.Ser869=; no amino-acid change (serine 869 retained).
Molecular consequence: synonymous variant.
Genome position (GRCh38, 1-based): chr16:23,626,377, G>A on the plus strand (C>T on the coding strand, the complement: PALB2 is on the minus strand). VCF-style: chr16-23626377-G-A. GRCh37 (hg19) VCF-style: chr16-23637698-G-A.
Other names: p.S869S:TCC>TCT.
Identifiers: ClinVar variation 136135 (VCV000136135.58), dbSNP rs45542234, ClinGen allele CA292646.

ClinVar aggregate classification (germline): Benign/Likely benign. Review status: criteria provided, multiple submitters, no conflicts (2 of 4 stars). 22 submissions from 22 submitters: Benign (7); Likely benign (6). 9 of the submissions do not count toward it. Last evaluated 2026-07-01.

Conditions:
PALB2-related disorder. Also called: PALB2-related disorders; PALB2-related condition.
Breast and/or ovarian cancer. Identifiers: MedGen CN221562.
Hereditary cancer-predisposing syndrome. Also called: Neoplastic Syndromes, Hereditary; Tumor predisposition; Hereditary neoplastic syndrome; Hereditary Cancer Syndrome. Identifiers: Orphanet 140162, MedGen C0027672, MeSH D009386, MONDO:0015356.
Familial cancer of breast. Also called: Hereditary breast cancer; hereditary breast carcinoma; BREAST CANCER, FAMILIAL. Identifiers: Orphanet 227535, MedGen C0346153, MONDO:0016419, OMIM 114480. Disease mechanism: loss of function.

Allele frequency attached by ClinVar (database versions not stated): TOPMed 0.00174; ESP Exome Variant Server 0.00185; 1000 Genomes Project 0.00359; 1000 Genomes Project 30x 0.00375.
gnomAD v4.1: 536 of 1,614,064 alleles (0.033%); highest among the groups gnomAD compares: African/African-American, 0.59%; 1 homozygote.

Submissions (22):

CeGaT Center for Human Genetics Tuebingen
Classification: Likely benign. Last evaluated: 2026-07-01. Review status: criteria provided, single submitter. Criteria: CeGaT Center For Human Genetics Tuebingen Variant Classification Criteria Version 2. Collection method: clinical testing. Allele origin: germline. Affected: yes. Observed: 3 variant alleles.
Comment: PALB2: BP4, BP7

Labcorp Genetics (formerly Invitae), Labcorp
Classification: Benign for Familial cancer of breast. Last evaluated: 2026-02-04. Review status: criteria provided, single submitter. Criteria: Invitae Variant Classification Sherloc (09022015). Collection method: clinical testing. Allele origin: germline.

Center for Genomic Medicine, Rigshospitalet, Copenhagen University Hospital
Classification: Likely benign. Last evaluated: 2025-03-04. Review status: criteria provided, single submitter. Criteria: ACMG Guidelines, 2015. Collection method: clinical testing. Allele origin: germline.

Blueprint Genetics
Classification: Likely benign. Last evaluated: 2024-10-16. Review status: criteria provided, single submitter. Criteria: ACMG Guidelines, 2015. Collection method: clinical testing. Allele origin: germline.

Myriad Genetics, Inc.
Classification: Benign for Familial cancer of breast. Last evaluated: 2023-03-31. Review status: criteria provided, single submitter. Criteria: Myriad Autosomal Dominant, Autosomal Recessive and X-Linked Classification Criteria (2023). Collection method: clinical testing. Allele origin: unknown.
Comment: This variant is considered benign. This variant is a silent/synonymous amino acid change and it is not expected to impact splicing.

CHEO Genetics Diagnostic Laboratory, Children's Hospital of Eastern Ontario
Classification: Likely benign for Breast and/or ovarian cancer. Last evaluated: 2023-03-03. Review status: criteria provided, single submitter. Criteria: ACMG Guidelines, 2015. Collection method: clinical testing. Allele origin: germline.

ARUP Laboratories, Molecular Genetics and Genomics, ARUP Laboratories
Classification: Benign. Last evaluated: 2022-03-09. Review status: criteria provided, single submitter. Criteria: ARUP Molecular Germline Variant Investigation Process 2021. Collection method: clinical testing. Allele origin: germline.

Sema4
Classification: Benign for Hereditary cancer-predisposing syndrome. Last evaluated: 2020-12-03. Review status: criteria provided, single submitter. Criteria: Sema4 Curation Guidelines. Collection method: curation. Allele origin: germline.

Genetic Services Laboratory, University of Chicago
Classification: Likely benign. Last evaluated: 2019-08-23. Review status: criteria provided, single submitter. Criteria: ACMG Guidelines, 2015. Collection method: clinical testing. Allele origin: germline. Affected: no.

Women's Health and Genetics/Laboratory Corporation of America, LabCorp
Classification: Benign. Last evaluated: 2017-04-20. Review status: criteria provided, single submitter. Criteria: LabCorp Variant Classification Summary - May 2015. Collection method: clinical testing. Allele origin: germline.
Comment: Variant summary: The PALB2 c.2607C>T (p.Ser869Ser) variant involves the alteration of a non-conserved nucleotide, resulting in a synonymous change. One in silico tool predicts a damaging outcome for this variant. This variant was found in 68/121400 control chromosomes, predominantly observed in the African subpopulation at a frequency of 0.005766 (60/10406). This frequency is about 37 times the estimated maximal expected allele frequency of a pathogenic PALB2 variant (0.0001563), suggesting this is likely a benign polymorphism found primarily in the populations of African origin. The variant has been reported in the literature, without strong evidence for causality. In addition, multiple clinical diagnostic laboratories/reputable databases classified this variant as benign. Taken together, this variant is classified as benign.

Color Diagnostics, LLC DBA Color Health
Classification: Benign for Hereditary cancer-predisposing syndrome. Last evaluated: 2015-10-15. Review status: criteria provided, single submitter. Criteria: ACMG Guidelines, 2015. Collection method: clinical testing. Allele origin: germline.

Ambry Genetics
Classification: Likely benign for Hereditary cancer-predisposing syndrome. Last evaluated: 2014-06-20. Review status: criteria provided, single submitter. Criteria: Ambry Variant Classification Scheme 2023. Collection method: clinical testing. Allele origin: germline.

GeneDx
Classification: Benign. Last evaluated: 2013-11-06. Review status: criteria provided, single submitter. Criteria: GeneDx Variant Classification (06012015). Collection method: clinical testing. Allele origin: germline. Affected: yes.
Comment: This variant is considered likely benign or benign based on one or more of the following criteria: it is a conservative change, it occurs at a poorly conserved position in the protein, it is predicted to be benign by multiple in silico algorithms, and/or has population frequency not consistent with disease.

PreventionGenetics, part of Exact Sciences
Classification: Benign for PALB2-related condition. Last evaluated: 2020-03-10. Review status: no assertion criteria provided. Collection method: clinical testing. Allele origin: germline. Not counted in ClinVar's aggregate classification.
Comment: This variant is classified as benign based on ACMG/AMP sequence variant interpretation guidelines (Richards et al. 2015 PMID: 25741868, with internal and published modifications).

Leiden Open Variation Database
Classification: Benign. Last evaluated: 2018-08-25. Review status: no assertion criteria provided. Collection method: curation. Allele origin: germline. Affected: yes. Not counted in ClinVar's aggregate classification.
Comment: Curators: Marc Tischkowitz, Arleen D. Auerbach. Submitter to LOVD: Yukihide Momozawa.

Counsyl
Classification: Likely benign for Familial cancer of breast. Last evaluated: 2015-12-16. Review status: no assertion criteria provided. Collection method: clinical testing. Allele origin: unknown. Not counted in ClinVar's aggregate classification.

Clinical Genetics Laboratory, Department of Pathology, Netherlands Cancer Institute
Classification: Likely benign. Review status: no assertion criteria provided. Collection method: clinical testing. Allele origin: germline. Affected: yes. Study: VKGL Data-share Consensus. Not counted in ClinVar's aggregate classification.

Department of Pathology and Laboratory Medicine, Sinai Health System
Classification: Likely benign. Review status: no assertion criteria provided. Collection method: clinical testing. Allele origin: unknown. Affected: yes. Study: The Canadian Open Genetics Repository (COGR). Not counted in ClinVar's aggregate classification.
Comment: The PALB2 p.Ser869= variant was identified in 1 of 1846 proband chromosomes (frequency: 0.0005) from individuals or families with breast cancer and was not identified in 2168 control chromosomes from healthy individuals (Rahman 2007). The variant was also identified in the following databases: dbSNP (ID: rs45542234) as "With Likely benign, other allele", ClinVar (2x benign, 3x likely benign), and Clinvitae. The variant was not identified in Cosmic, MutDB, LOVD 3.0, or the Zhejiang Colon Cancer Database. The variant was identified in control databases in 154 of 277240 chromosomes at a frequency of 0.0006 increasing the likelihood this could be a low frequency benign variant (Genome Aggregation Database Feb 27, 2017). Breakdown of the observations by population include African in 138 of 24036 chromosomes (freq: 0.006), Other in 3 of 6464 chromosomes (freq: 0.0005), Latino in 4 of 34420 chromosomes (freq: 0.0001), and South Asian in 9 of 30782 chromosomes (freq: 0.0003). The variant was not observed in the European, Ashkenazi Jewish, East Asian, or Finnish populations. The p.Ser869= variant is not expected to have clinical significance because it does not result in a change of amino acid and is not located in a known consensus splice site. One of five in silico or computational prediction software programs (SpliceSiteFinder, MaxEntScan, NNSPLICE, GeneSplicer, HumanSpliceFinder) predict a greater than 10% difference in splicing; this is not very predictive of pathogenicity. In summary, based on the above information the clinical significance of this variant cannot be determined with certainty at this time although we would lean towards a more benign role for this variant. This variant is classified as likely benign.

Genome Diagnostics Laboratory, Amsterdam University Medical Center
Classification: Likely benign. Review status: no assertion criteria provided. Collection method: clinical testing. Allele origin: germline. Affected: yes. Study: VKGL Data-share Consensus. Not counted in ClinVar's aggregate classification.

Genome Diagnostics Laboratory, University Medical Center Utrecht
Classification: Likely benign. Review status: no assertion criteria provided. Collection method: clinical testing. Allele origin: germline. Affected: yes. Study: VKGL Data-share Consensus. Not counted in ClinVar's aggregate classification.

Joint Genome Diagnostic Labs from Nijmegen and Maastricht, Radboudumc and MUMC+
Classification: Likely benign. Review status: no assertion criteria provided. Collection method: clinical testing. Allele origin: germline. Affected: yes. Study: VKGL Data-share Consensus. Not counted in ClinVar's aggregate classification.

Laboratory of Diagnostic Genome Analysis, Leiden University Medical Center (LUMC)
Classification: Benign. Review status: no assertion criteria provided. Collection method: clinical testing. Allele origin: germline. Affected: yes. Study: VKGL Data-share Consensus. Not counted in ClinVar's aggregate classification.

Literature cited by the submitters: PubMed 17200668 (cited by Women's Health and Genetics/Laboratory Corporation of America, LabCorp and Counsyl); PubMed 30287823 (cited by Leiden Open Variation Database).